The following is an entry in ClinVar:

NM_004104.5(FASN):c.3330G>C (p.Gln1110His)

Gene: FASN (fatty acid synthase; minus strand). Cytogenetic location: 17q25.3.
Variant type: single nucleotide variant.
Coding change: c.3330G>C on transcript NM_004104.5 (MANE Select); coding-DNA position 3330, G replaced by C.
Protein change: p.Gln1110His; replaces glutamine 1110 with histidine.
Molecular consequence: missense variant.
Genome position (GRCh38, 1-based): chr17:82,087,147, C>G on the plus strand (G>C on the coding strand, the complement: FASN is on the minus strand). VCF-style: chr17-82087147-C-G. GRCh37 (hg19) VCF-style: chr17-80045023-C-G.
Other names: short protein forms Q1110H.
Identifiers: ClinVar variation 462034 (VCV000462034.8), dbSNP rs755685212, ClinGen allele CA295132530.
Genomic context (GRCh38, chr17:82,087,147, plus strand): 5'-CTCAGACAGGCACCCCTCCTCCGTGTGGGGAGTGAAGCAAAACTTCTCCAGGATGGGCAC[C>G]TGCTGCTCCTGCTGCCGCCGCGGGGCCGACTCAGTGTGGAGCCCGGAGATGTGGACGCCT-3'
Protein context (NP_004095.4, residues 1100-1120): ESAPRRQQEQ[Gln1110His]VPILEKFCFT

ClinVar aggregate classification (germline): Uncertain significance (1 of 4 stars; one submission).

Conditions:
Epileptic encephalopathy. Identifiers: MedGen C0543888, HP:0200134.

Allele frequency attached by ClinVar (database versions not stated): TOPMed 0.00002; gnomAD 0.00003 and 0.00004.
gnomAD v4.1: 12 of 1,610,652 alleles (0.00075%); highest among the groups gnomAD compares: African/African-American, 0.0093%; no homozygotes.

Submission:

Labcorp Genetics (formerly Invitae), Labcorp
Classification: Uncertain significance for Epileptic encephalopathy. Last evaluated: 2022-08-31. Review status: criteria provided, single submitter. Criteria: Invitae Variant Classification Sherloc (09022015). Collection method: clinical testing. Allele origin: germline.
Comment: In summary, the available evidence is currently insufficient to determine the role of this variant in disease. Therefore, it has been classified as a Variant of Uncertain Significance. Algorithms developed to predict the effect of sequence changes on RNA splicing suggest that this variant may disrupt the consensus splice site. Algorithms developed to predict the effect of missense changes on protein structure and function output the following: SIFT: "Tolerated"; PolyPhen-2: "Benign"; Align-GVGD: "Class C0". The histidine amino acid residue is found in multiple mammalian species, which suggests that this missense change does not adversely affect protein function. ClinVar contains an entry for this variant (Variation ID: 462034). This variant has not been reported in the literature in individuals affected with FASN-related conditions. This variant is present in population databases (no rsID available, gnomAD 0.006%). This sequence change replaces glutamine, which is neutral and polar, with histidine, which is basic and polar, at codon 1110 of the FASN protein (p.Gln1110His).